The following is an entry in ClinVar:

ClinVar aggregate classification (germline): Uncertain significance (1 of 4 stars; one submission).

gnomAD v4.1: 2 of 1,611,084 alleles (0.00012%); highest among the groups gnomAD compares: Non-Finnish European, 0.00017%; no homozygotes.

Submission:

Labcorp Genetics (formerly Invitae), Labcorp
Classification: Uncertain significance. Last evaluated: 2024-12-02. Review status: criteria provided, single submitter. Criteria: Invitae Variant Classification Sherloc (09022015). Collection method: clinical testing. Allele origin: germline.
Comment: This sequence change replaces alanine, which is neutral and non-polar, with valine, which is neutral and non-polar, at codon 209 of the ASRGL1 protein (p.Ala209Val). This variant is not present in population databases (gnomAD no frequency). This variant has not been reported in the literature in individuals affected with ASRGL1-related conditions. An algorithm developed to predict the effect of missense changes on protein structure and function (PolyPhen-2) suggests that this variant is likely to be disruptive. In summary, the available evidence is currently insufficient to determine the role of this variant in disease. Therefore, it has been classified as a Variant of Uncertain Significance.

NM_001083926.2(ASRGL1):c.626C>T (p.Ala209Val)

Gene: ASRGL1 (asparaginase and isoaspartyl peptidase 1; plus strand). Cytogenetic location: 11q12.3.
Variant type: single nucleotide variant.
Coding change: c.626C>T on transcript NM_001083926.2 (MANE Select); coding-DNA position 626, C replaced by T.
Protein change: p.Ala209Val; replaces alanine 209 with valine.
Molecular consequence: missense variant.
Genome position (GRCh38, 1-based): chr11:62,391,537, C>T. VCF-style: chr11-62391537-C-T. GRCh37 (hg19) VCF-style: chr11-62159009-C-T.
Other names: c.626C>T, p.Ala209Val (NM_025080.4); short protein forms A209V.
Identifiers: ClinVar variation 3699994 (VCV003699994.2).